The following is an entry in ClinVar:

ClinVar aggregate classification (germline): Uncertain significance. Review status: criteria provided, multiple submitters, no conflicts (2 of 4 stars). 2 submissions from 2 submitters: Uncertain significance (2). Last evaluated 2026-02-02.

Conditions:
Inborn genetic diseases. Identifiers: MedGen C0950123, MeSH D030342.
Pulmonary fibrosis and/or bone marrow failure, Telomere-related, 3. Also called: PULMONARY FIBROSIS AND/OR BONE MARROW FAILURE SYNDROME, TELOMERE-RELATED, 3. Identifiers: Orphanet 2032, MedGen C4225346, MONDO:0014613, OMIM 616373.
Dyskeratosis congenita, autosomal recessive 5 (DKCB5). Identifiers: MedGen C3554656, MONDO:0014076, OMIM 615190.

Allele frequency attached by ClinVar (database versions not stated): ESP Exome Variant Server 0.00008; gnomAD exomes 0.00002; ExAC 0.00004; gnomAD 0.00004; TOPMed 0.00004.
gnomAD v4.1: 39 of 1,598,074 alleles (0.0024%); highest among the groups gnomAD compares: African/African-American, 0.024%; no homozygotes.

Submissions (2):

Labcorp Genetics (formerly Invitae), Labcorp
Classification: Uncertain significance for Dyskeratosis congenita, autosomal recessive 5; Pulmonary fibrosis and/or bone marrow failure, Telomere-related, 3. Last evaluated: 2026-02-02. Review status: criteria provided, single submitter. Criteria: Invitae Variant Classification Sherloc (09022015). Collection method: clinical testing. Allele origin: germline.
Comment: This sequence change replaces arginine, which is basic and polar, with tryptophan, which is neutral and slightly polar, at codon 828 of the RTEL1 protein (p.Arg828Trp). This variant is present in population databases (rs376930232, gnomAD 0.01%). This variant has not been reported in the literature in individuals affected with RTEL1-related conditions. ClinVar contains an entry for this variant (Variation ID: 2147260). An algorithm developed to predict the effect of missense changes on protein structure and function (PolyPhen-2) suggests that this variant is likely to be disruptive. In summary, the available evidence is currently insufficient to determine the role of this variant in disease. Therefore, it has been classified as a Variant of Uncertain Significance.

Ambry Genetics
Classification: Uncertain significance for Inborn genetic diseases. Last evaluated: 2023-05-04. Review status: criteria provided, single submitter. Criteria: Ambry Variant Classification Scheme 2023. Collection method: clinical testing. Allele origin: germline.

NM_001283009.2(RTEL1):c.2482C>T (p.Arg828Trp)

Genes: RTEL1 (regulator of telomere elongation helicase 1; plus strand), RTEL1-TNFRSF6B (RTEL1-TNFRSF6B readthrough (NMD candidate); plus strand). Cytogenetic location: 20q13.33.
Variant type: single nucleotide variant.
Coding change: c.2482C>T on transcript NM_001283009.2 (MANE Select); coding-DNA position 2482, C replaced by T.
Protein change: p.Arg828Trp; replaces arginine 828 with tryptophan.
Molecular consequence: missense variant. On other transcripts: non-coding transcript variant (1).
Genome position (GRCh38, 1-based): chr20:63,690,873, C>T. VCF-style: chr20-63690873-C-T. GRCh37 (hg19) VCF-style: chr20-62322226-C-T.
Other names: c.1813C>T, p.Arg605Trp (NM_001283010.1); c.2482C>T, p.Arg828Trp (NM_016434.4); c.2554C>T, p.Arg852Trp (NM_032957.5); c.2554C>T (NM_032957.4); short protein forms R828W, R852W, R605W.
Identifiers: ClinVar variation 2147260 (VCV002147260.5), dbSNP rs376930232, ClinGen allele CA9965373.